The following is an entry in ClinVar:

ClinVar aggregate classification (germline): Uncertain significance. Review status: criteria provided, multiple submitters, no conflicts (2 of 4 stars). 3 submissions from 3 submitters: Uncertain significance (3). Last evaluated 2024-05-20.

Conditions:
Combined oxidative phosphorylation deficiency 35 (COXPD35). Identifiers: MedGen C4693466, MONDO:0054742, OMIM 617873.

Allele frequency attached by ClinVar (database versions not stated): TOPMed 0.00003; gnomAD 0.00004; gnomAD exomes 0.00002 and 0.00007; ESP Exome Variant Server 0.00008; ExAC 0.00011.
gnomAD v4.1: 37 of 1,614,072 alleles (0.0023%); highest among the groups gnomAD compares: East Asian, 0.018%; no homozygotes.

Submissions (3):

Fulgent Genetics
Classification: Uncertain significance for Combined oxidative phosphorylation deficiency 35. Last evaluated: 2024-05-20. Review status: criteria provided, single submitter. Criteria: ACMG Guidelines, 2015. Collection method: clinical testing. Allele origin: germline.

GeneDx
Classification: Uncertain significance. Last evaluated: 2022-05-05. Review status: criteria provided, single submitter. Criteria: GeneDx Variant Classification Process June 2021. Collection method: clinical testing. Allele origin: germline. Affected: yes.
Comment: In silico analysis supports that this missense variant does not alter protein structure/function; Has not been previously published as pathogenic or benign to our knowledge; A different missense change at this residue (p.I283S) has been reported in the Human Gene Mutation Database (Stenson et al., 2014)

Juno Genomics, Hangzhou Juno Genomics, Inc
Classification: Uncertain significance for Combined oxidative phosphorylation deficiency 35. Review status: criteria provided, single submitter. Criteria: ACMG Guidelines, 2015. Collection method: clinical testing. Allele origin: germline. Affected: yes.
Comment: Absent from controls (or at extremely low frequency if recessive) in Genome Aggregation Database, Exome Sequencing Project, 1000 Genomes Project, or Exome Aggregation Consortium.

NM_017646.6(TRIT1):c.847A>G (p.Ile283Val)

Gene: TRIT1 (tRNA isopentenyltransferase 1; minus strand). Cytogenetic location: 1p34.2.
Variant type: single nucleotide variant.
Coding change: c.847A>G on transcript NM_017646.6 (MANE Select); coding-DNA position 847, A replaced by G.
Protein change: p.Ile283Val; replaces isoleucine 283 with valine.
Molecular consequence: missense variant.
Genome position (GRCh38, 1-based): chr1:39,847,629, T>C on the plus strand (A>G on the coding strand, the complement: TRIT1 is on the minus strand). VCF-style: chr1-39847629-T-C. GRCh37 (hg19) VCF-style: chr1-40313301-T-C.
Other names: c.847A>G, p.Ile283Val (NM_001312691.2); c.601A>G, p.Ile201Val (NM_001312692.2); short protein forms I201V, I283V.
Identifiers: ClinVar variation 1683955 (VCV001683955.5), dbSNP rs145009373, ClinGen allele CA787988.